The following is an entry in ClinVar:

ClinVar aggregate classification (germline): Uncertain significance. Review status: criteria provided, multiple submitters, no conflicts (2 of 4 stars). 2 submissions from 2 submitters: Uncertain significance (2). Last evaluated 2025-10-14.

Conditions:
ALDOB-related disorder. Also called: ALDOB-related condition.

Allele frequency attached by ClinVar (database versions not stated): ExAC 0.00002; gnomAD 0.00002 and 0.00003; TOPMed 0.00002; gnomAD exomes 0.00003.
gnomAD v4.1: 169 of 1,614,012 alleles (0.01%); highest among the groups gnomAD compares: Non-Finnish European, 0.014%; no homozygotes.

Submissions (2):

PreventionGenetics, part of Exact Sciences
Classification: Uncertain significance for ALDOB-related condition. Last evaluated: 2025-10-14. Review status: criteria provided, single submitter. Criteria: ACMG Guidelines, 2015. Collection method: clinical testing. Allele origin: germline.
Comment: The ALDOB c.760G>A variant is predicted to result in the amino acid substitution p.Val254Ile. To our knowledge, this variant has not been reported in the literature. This variant is reported in 0.0054% of alleles in individuals of European (Non-Finnish) descent in gnomAD. At this time, the clinical significance of this variant is uncertain due to the absence of conclusive functional and genetic evidence.

Eurofins Ntd Llc (ga)
Classification: Uncertain significance. Last evaluated: 2017-10-13. Review status: criteria provided, single submitter. Criteria: EGL Classification Definitions 2015. Collection method: clinical testing. Allele origin: germline. Observed: 1 variant allele, 1 heterozygote.

NM_000035.4(ALDOB):c.760G>A (p.Val254Ile)

Gene: ALDOB (aldolase, fructose-bisphosphate B; minus strand). Cytogenetic location: 9q31.1.
Variant type: single nucleotide variant.
Coding change: c.760G>A on transcript NM_000035.4 (MANE Select); coding-DNA position 760, G replaced by A.
Protein change: p.Val254Ile; replaces valine 254 with isoleucine.
Molecular consequence: missense variant.
Genome position (GRCh38, 1-based): chr9:101,425,492, C>T on the plus strand (G>A on the coding strand, the complement: ALDOB is on the minus strand). VCF-style: chr9-101425492-C-T. GRCh37 (hg19) VCF-style: chr9-104187774-C-T.
Other names: c.760G>A (NM_000035.3); c.760G>A, p.Val254Ile (LRG_1244t1); short protein forms V254I.
Identifiers: ClinVar variation 594532 (VCV000594532.7), dbSNP rs776649110, ClinGen allele CA5161482.